The following is an entry in ClinVar:

ClinVar aggregate classification (germline): Uncertain significance (1 of 4 stars; one submission).

Conditions:
Inborn genetic diseases. Identifiers: MedGen C0950123, MeSH D030342.

Allele frequency attached by ClinVar (database versions not stated): gnomAD exomes below 0.00001; ExAC 0.00001; gnomAD 0.00001; TOPMed 0.00001; ESP Exome Variant Server 0.00008.

Submission:

Ambry Genetics
Classification: Uncertain significance for Inborn genetic diseases. Last evaluated: 2021-04-11. Review status: criteria provided, single submitter. Criteria: Ambry Variant Classification Scheme 2023. Collection method: clinical testing. Allele origin: germline.
Comment: The p.G230E variant (also known as c.689G>A), located in coding exon 2 of the SLC52A2 gene, results from a G to A substitution at nucleotide position 689. The glycine at codon 230 is replaced by glutamic acid, an amino acid with similar properties. This amino acid position is not well conserved in available vertebrate species. In addition, this alteration is predicted to be tolerated by in silico analysis. Since supporting evidence is limited at this time, the clinical significance of this alteration remains unclear.

NM_001363118.2(SLC52A2):c.689G>A (p.Gly230Glu)

Gene: SLC52A2 (solute carrier family 52 member 2; plus strand). Cytogenetic location: 8q24.3.
Variant type: single nucleotide variant.
Coding change: c.689G>A on transcript NM_001363118.2 (MANE Select); coding-DNA position 689, G replaced by A.
Protein change: p.Gly230Glu; replaces glycine 230 with glutamic acid.
Molecular consequence: missense variant. On other transcripts: non-coding transcript variant (1).
Genome position (GRCh38, 1-based): chr8:144,360,181, G>A. VCF-style: chr8-144360181-G-A. GRCh37 (hg19) VCF-style: chr8-145583841-G-A.
Other names: c.689G>A, p.Gly230Glu (NM_001253815.2, NM_001253816.2, NM_001363120.2 and 2 more transcripts); c.197G>A, p.Gly66Glu (NM_001363122.2); c.425G>A, p.Gly142Glu (NM_001410949.1); short protein forms G66E, G142E, G230E.
Identifiers: ClinVar variation 1756038 (VCV001756038.2), dbSNP rs367852733, ClinGen allele CA4938260.
Genomic context (GRCh38, chr8:144,360,181, plus strand): 5'-CCTTCCAGGGTCTTCTGCTGCTGTTGCCGCCACCACCATCTGTACCCACAGGGGAGTTAG[G>A]ATCAGGCCTCCAGGTGGGAGCCCCAGGAGCAGAGGAAGAGGTGGAAGAGTCCTCACCACT-3'
Protein context (NP_001350047.1, residues 220-240): PPPSVPTGEL[Gly230Glu]SGLQVGAPGA